The following is an entry in ClinVar:

NM_001374353.1(GLI2):c.4294G>T (p.Gly1432Cys)

Gene: GLI2 (GLI family zinc finger 2; plus strand). Cytogenetic location: 2q14.2.
Variant type: single nucleotide variant.
Coding change: c.4294G>T on transcript NM_001374353.1 (MANE Select); coding-DNA position 4294, G replaced by T.
Protein change: p.Gly1432Cys; replaces glycine 1432 with cysteine.
Molecular consequence: missense variant.
Genome position (GRCh38, 1-based): chr2:120,990,259, G>T. VCF-style: chr2-120990259-G-T. GRCh37 (hg19) VCF-style: chr2-121747835-G-T.
Other names: c.4345G>T, p.Gly1449Cys (NM_001371271.1, NM_005270.5); c.3919G>T, p.Gly1307Cys (NM_001374354.1); short protein forms G1307C, G1432C, G1449C.
Identifiers: ClinVar variation 1678742 (VCV001678742.2), dbSNP rs746213496, ClinGen allele CA54386126.

ClinVar aggregate classification (germline): Uncertain significance (1 of 4 stars; one submission).

Allele frequency attached by ClinVar (database versions not stated): gnomAD 0.00001; TOPMed 0.00003.
gnomAD v4.1: 27 of 1,613,534 alleles (0.0017%); highest among the groups gnomAD compares: African/African-American, 0.004%; no homozygotes.

Submission:

GeneDx
Classification: Uncertain significance. Last evaluated: 2022-04-22. Review status: criteria provided, single submitter. Criteria: GeneDx Variant Classification Process June 2021. Collection method: clinical testing. Allele origin: germline. Affected: yes.
Comment: Not observed at significant frequency in large population cohorts (gnomAD); In silico analysis supports that this missense variant has a deleterious effect on protein structure/function; Has not been previously published as pathogenic or benign to our knowledge